The following is an entry in ClinVar:

NM_000478.6(ALPL):c.1559del (p.Leu520fs)

Gene: ALPL (alkaline phosphatase, biomineralization associated; plus strand). Cytogenetic location: 1p36.12.
Variant type: Deletion.
Coding change: c.1559del on transcript NM_000478.6 (MANE Select); coding-DNA position 1559, one base deleted (T; older notation c.1559delT).
Protein change: p.Leu520fs; shifts the reading frame from leucine 520.
Molecular consequence: frameshift variant.
Genome position (GRCh38, 1-based): chr1:21,577,632, T deleted. VCF-style (leftmost placement, unchanged base first): chr1-21577631-CT-C. GRCh37 (hg19) VCF-style: chr1-21904124-CT-C.
Other names: c.1394del, p.Leu465fs (NM_001127501.4); c.1328del, p.Leu443fs (NM_001177520.3); c.1559del, p.Leu520fs (NM_001369803.2, NM_001369804.2, NM_001369805.2); c.1559del (NM_000478.5, NM_000478.4); short protein forms L443fs, L520fs, L465fs.
Identifiers: ClinVar variation 13674 (VCV000013674.29), dbSNP rs387906525, ClinGen allele CA256931.

ClinVar aggregate classification (germline): Pathogenic. Review status: criteria provided, multiple submitters, no conflicts (2 of 4 stars). 11 submissions from 11 submitters: Pathogenic (9). 2 of the submissions do not count toward it. Last evaluated 2026-03-13.

Conditions:
Hypophosphatasia. Also called: Phosphoethanol-aminuria. Identifiers: Orphanet 436, MedGen C0020630, MeSH D007014, MONDO:0018570.
Adult hypophosphatasia. Identifiers: Orphanet 247676, Orphanet 436, MedGen C0268413, MONDO:1010154, OMIM 146300, MONDO:0007798.
Infantile hypophosphatasia. Identifiers: Orphanet 247651, Orphanet 436, MedGen C0268412, MONDO:1010169, OMIM 241500, MONDO:0009427.

Allele frequency attached by ClinVar (database versions not stated): TOPMed below 0.00001; ExAC 0.00002; gnomAD 0.00001; gnomAD exomes 0.00001 and 0.00002.

Submissions (11):

Dasa
Classification: Pathogenic. Last evaluated: 2026-03-13. Review status: criteria provided, single submitter. Criteria: DASA Assertion Criteria. Collection method: clinical testing. Allele origin: germline.
Comment: NM_000478.6(ALPL):c.1559del (p.Leu520Argfs*86) introduces a premature termination codon predicted to result in loss of normal protein function. Loss-of-function is an established mechanism of disease for this gene. Functional evidence supports a deleterious effect on the gene or gene product (PMID: 31707452; PMID: 31600233; PMID: 7833929; PMID: 9814472; PMID: 15794757). This variant has been recurrently observed in individuals with related phenotype (PMID: 31707452; PMID: 31600233; PMID: 7833929; PMID: 9814472; PMID: 15794757). The variant is present at low frequency in population datasets. Based on the available data, this variant is classified as pathogenic.

Natera, Inc.
Classification: Pathogenic for Hypophosphatasia. Last evaluated: 2026-01-02. Review status: criteria provided, single submitter. Criteria: Natera Variant Classification Schema (03/2026). Collection method: clinical testing. Allele origin: germline.
Comment: The c.1559delT variant in ALPL is a frameshift variant predicted to elongate the protein beyond the termination codon. This variant may result in a truncated or dysfunctional protein product. This variant is rare in the general population with a frequency below the threshold expected for the associated phenotype(s). This variant has been observed in one or more individuals affected with the associated recessive disease, as either homozygous or compound heterozygous with a second variant (PMID: 17384481, 15660230). Given the available evidence, this variant is classified as Pathogenic.

Labcorp Genetics (formerly Invitae), Labcorp
Classification: Pathogenic. Last evaluated: 2025-12-26. Review status: criteria provided, single submitter. Criteria: Invitae Variant Classification Sherloc (09022015). Collection method: clinical testing. Allele origin: germline.
Comment: This sequence change creates a premature translational stop signal (p.Leu520Argfs*86) in the ALPL gene. While this is not anticipated to result in nonsense mediated decay, it is expected to disrupt the last 5 amino acid(s) of the ALPL protein. This variant is present in population databases (rs387906525, gnomAD 0.01%). This premature translational stop signal has been observed in individual(s) with hypophosphatasia (PMID: 7833929, 9814472, 15660230, 24334170, 28802630). This variant is also known as delT1735. ClinVar contains an entry for this variant (Variation ID: 13674). Algorithms developed to predict the effect of variants on gene product structure and function are not available or were not evaluated for this variant. Experimental studies have shown that this premature translational stop signal affects ALPL function (PMID: 9814472, 15660230, 15794757). For these reasons, this variant has been classified as Pathogenic.

Genomenon, Inc
Classification: Pathogenic for Hypophosphatasia. Last evaluated: 2025-08-29. Review status: criteria provided, single submitter. Criteria: Genomenon Sequence Variant Interpretation Standards. Collection method: curation. Allele origin: germline. Affected: yes.
Comment: ALPL p.Leu520ArgfsTer86 (c.1559del) is a frameshift variant that results in the production of an extended protein product. This variant has been observed in multiple probands affected with hypophosphatasia (PMID:38884565;31600233;11810413;33032557;29160033;31641588). The variant was found to segregate with disease in at least one affected family (PMID:33032557;29160033;31641588). Several functional studies have demonstrated a substantial alteration in protein function relative to the wild-type (PMID:15660230;15794757;27680481;32160374;12412800;18455459;31707452). It is absent or not present at a significant frequency in gnomAD. In conclusion, we classify ALPL p.Leu520ArgfsTer86 (c.1559del) as a pathogenic variant.

GeneDx
Classification: Pathogenic. Last evaluated: 2025-08-08. Review status: criteria provided, single submitter. Criteria: GeneDx Variant Classification Process June 2021. Collection method: clinical testing. Allele origin: germline. Affected: yes.
Comment: Published functional studies demonstrate a damaging effect with failure to localize to the cell surface, loss of enzyme activity, and failure to rescue mineralization (PMID: 7833929, 9814472, 15794757); Frameshift variant predicted to result in abnormal protein length as the last 5 amino acids are replaced with 85 different amino acids; This variant is associated with the following publications: (PMID: 36217348, 32160374, 15794757, 9814472, 7833929, 24334170, 28802630, 29160033, 31014398, 30083035, 31707452, 31600233, 31641588, 31857675, 31787692, 23926372, 18455459, 15660230, 32547926, 33452237, 11810413, 12975786, 35024386, 35197081, 39252126, 39868560)

Baylor Genetics
Classification: Pathogenic for Adult hypophosphatasia. Last evaluated: 2024-02-19. Review status: criteria provided, single submitter. Criteria: ACMG Guidelines, 2015. Collection method: clinical testing. Allele origin: unknown.

Women's Health and Genetics/Laboratory Corporation of America, LabCorp
Classification: Pathogenic for Hypophosphatasia. Last evaluated: 2020-02-24. Review status: criteria provided, single submitter. Criteria: LabCorp Variant Classification Summary - May 2015. Collection method: clinical testing. Allele origin: germline.
Comment: Variant summary: ALPL c.1559delT (p.Leu520ArgfsX86) causes a frameshift which results in an extension of the protein. The variant allele was found at a frequency of 8.7e-06 in 230820 control chromosomes (genomAD). In Japanese HPP, this variant is the most frequent mutation (Komaru_2005, Michigami_2019, Okawa_2019). c.1559delT has been reported in the literature in compound heterozygous and homozygous individuals affected with Hypophosphatasia (Okawa_2019, Koyama_2019). These data indicate that the variant is very likely to be associated with disease. At least one functional study reports this variant effect results in decreasing normal activity (Komaru_2005). One ClinVar submitter (evaluation after 2014) cites the variant as pathogenic. Based on the evidence outlined above, the variant was classified as pathogenic.

Myriad Genetics, Inc.
Classification: Pathogenic for Infantile hypophosphatasia. Last evaluated: 2019-12-26. Review status: criteria provided, single submitter. Criteria: Myriad Women's Health Autosomal Recessive and X-Linked Classification Criteria (2019). Collection method: clinical testing. Allele origin: unknown.
Comment: NM_000478.4(ALPL):c.1559delT(L520Rfs*86) is classified as pathogenic in the context of hypophosphatasia. Sources cited for classification include the following: PMID 23926372, 9452105, 15660230, 18455459, 15660230 and 15794757. Classification of NM_000478.4(ALPL):c.1559delT(L520Rfs*86) is based on the following criteria: This is a well-established pathogenic variant in the literature that has been observed more frequently in patients with clinical diagnoses than in healthy populations. Please note: this variant was assessed in the context of healthy population screening.

Eurofins Ntd Llc (ga)
Classification: Pathogenic. Last evaluated: 2014-10-14. Review status: criteria provided, single submitter. Criteria: EGL Classification Definitions 2015. Collection method: clinical testing. Allele origin: germline.

OMIM
Classification: Pathogenic for HYPOPHOSPHATASIA, INFANTILE. Last evaluated: 1998-12-01. Review status: no assertion criteria provided. Collection method: literature only. Allele origin: germline. Not counted in ClinVar's aggregate classification.

GeneReviews
No classification provided. Condition: Hypophosphatasia. Review status: no classification provided. Collection method: literature only. Allele origin: germline. Affected: yes. Not counted in ClinVar's aggregate classification.

Literature cited by the submitters: PubMed 31707452 (cited by Dasa and Genomenon, Inc); PubMed 31600233 (cited by 3 submitters); PubMed 7833929 (cited by 3 submitters); PubMed 9814472 (cited by Dasa and Labcorp Genetics (formerly Invitae), Labcorp); PubMed 15794757 (cited by 5 submitters); PubMed 17384481 (cited by Natera, Inc.); PubMed 15660230 (cited by 4 submitters); PubMed 24334170 (cited by Labcorp Genetics (formerly Invitae), Labcorp); PubMed 28802630 (cited by Labcorp Genetics (formerly Invitae), Labcorp); PubMed 38884565 (cited by Genomenon, Inc); PubMed 11810413 (cited by Genomenon, Inc); PubMed 33032557 (cited by Genomenon, Inc); PubMed 29160033 (cited by Genomenon, Inc); PubMed 31641588 (cited by Genomenon, Inc); PubMed 27680481 (cited by Genomenon, Inc); PubMed 32160374 (cited by Genomenon, Inc); PubMed 12412800 (cited by Genomenon, Inc); PubMed 18455459 (cited by Genomenon, Inc and Myriad Genetics, Inc.); PubMed 31787692 (cited by Women's Health and Genetics/Laboratory Corporation of America, LabCorp); PubMed 31905439 (cited by Women's Health and Genetics/Laboratory Corporation of America, LabCorp); PubMed 23926372 (cited by Myriad Genetics, Inc.); PubMed 9452105 (cited by Myriad Genetics, Inc.); PubMed 9844100 (cited by OMIM); NCBI Bookshelf NBK1150 (cited by GeneReviews).